The following is an entry in ClinVar:

NM_013275.6(ANKRD11):c.788G>C (p.Ser263Thr)

Gene: ANKRD11 (ankyrin repeat domain 11; minus strand). Cytogenetic location: 16q24.3.
Variant type: single nucleotide variant.
Coding change: c.788G>C on transcript NM_013275.6 (MANE Select); coding-DNA position 788, G replaced by C.
Protein change: p.Ser263Thr; replaces serine 263 with threonine.
Molecular consequence: missense variant.
Genome position (GRCh38, 1-based): chr16:89,286,143, C>G on the plus strand (G>C on the coding strand, the complement: ANKRD11 is on the minus strand). VCF-style: chr16-89286143-C-G. GRCh37 (hg19) VCF-style: chr16-89352551-C-G.
Other names: c.788G>C, p.Ser263Thr (NM_001256182.2, NM_001256183.2); short protein forms S263T.
Identifiers: ClinVar variation 4883234 (VCV004883234.2).
Genomic context (GRCh38, chr16:89,286,143, plus strand): 5'-AGGAGGTTCACCATCGTGGGGGAGTTGGCCACTTTCAGCGGCGTCTCGCCTTTCCTGTTG[C>G]TCTGCTGCGGGTTCCCTCCGTACCGCAGCAGCAGCTTCACCACCTACAAGACAGTAACAC-3'
Protein context (NP_037407.4, residues 253-273): LLRYGGNPQQ[Ser263Thr]NRKGETPLKV

ClinVar aggregate classification (germline): Uncertain significance (1 of 4 stars; one submission).

Submission:

Dasa
Classification: Uncertain significance. Last evaluated: 2025-07-24. Review status: criteria provided, single submitter. Criteria: DASA Assertion Criteria. Collection method: clinical testing. Allele origin: germline.
Comment: NM_013275.6(ANKRD11):c.788G>C (p.Ser263Thr) is a missense variant that results in the substitution of serine with threonine. This variant is absent from population databases. The currently available literature and clinical evidence are not sufficient to establish a definitive association between this variant and the reported condition. Therefore, this variant is classified as a variant of uncertain significance.